The following is an entry in ClinVar:

NM_000090.4(COL3A1):c.1112C>A (p.Pro371His)

Gene: COL3A1 (collagen type III alpha 1 chain; plus strand). Cytogenetic location: 2q32.2.
Variant type: single nucleotide variant.
Coding change: c.1112C>A on transcript NM_000090.4 (MANE Select); coding-DNA position 1112, C replaced by A.
Protein change: p.Pro371His; replaces proline 371 with histidine.
Molecular consequence: missense variant.
Genome position (GRCh38, 1-based): chr2:188,993,422, C>A. VCF-style: chr2-188993422-C-A. GRCh37 (hg19) VCF-style: chr2-189858148-C-A.
Other names: short protein forms P371H.
Identifiers: ClinVar variation 3769108 (VCV003769108.3).
Genomic context (GRCh38, chr2:188,993,422, plus strand): 5'-GTGAAGTTGGACCTGCAGGGTCTCCTGGTTCAAATGGTGCCCCTGGACAAAGAGGAGAAC[C>A]TGGACCTCAGGGACACGCTGGTGCTCAAGGTCCTCCTGTAAGTATCATAGTTGAGAGGGA-3'
Protein context (NP_000081.2, residues 361-381): SNGAPGQRGE[Pro371His]GPQGHAGAQG

ClinVar aggregate classification (germline): Uncertain significance. Review status: criteria provided, multiple submitters, no conflicts (2 of 4 stars). 2 submissions from 2 submitters: Uncertain significance (2). Last evaluated 2025-05-08.

Conditions:
Ehlers-Danlos syndrome, type 4 (EDSVASC). Also called: Ehlers-Danlos syndrome vascular type; Ehlers Danlos syndrome, ecchymotic type; Ehlers Danlos syndrome, arterial type; Ehlers Danlos syndrome, Sack-Barabas type; Ehlers-Danlos Syndrome Type IV. Identifiers: Orphanet 286, MedGen C0268338, MONDO:0017314, OMIM 130050.

Submissions (2):

Labcorp Genetics (formerly Invitae), Labcorp
Classification: Uncertain significance for Ehlers-Danlos syndrome, type 4. Last evaluated: 2025-05-08. Review status: criteria provided, single submitter. Criteria: Invitae Variant Classification Sherloc (09022015). Collection method: clinical testing. Allele origin: germline.
Comment: This sequence change replaces proline, which is neutral and non-polar, with histidine, which is basic and polar, at codon 371 of the COL3A1 protein (p.Pro371His). This variant is not present in population databases (gnomAD no frequency). This variant has not been reported in the literature in individuals affected with COL3A1-related conditions. ClinVar contains an entry for this variant (Variation ID: 3769108). Invitae Evidence Modeling of protein sequence and biophysical properties (such as structural, functional, and spatial information, amino acid conservation, physicochemical variation, residue mobility, and thermodynamic stability) indicates that this missense variant is not expected to disrupt COL3A1 protein function with a negative predictive value of 95%. In summary, the available evidence is currently insufficient to determine the role of this variant in disease. Therefore, it has been classified as a Variant of Uncertain Significance.

Women's Health and Genetics/Laboratory Corporation of America, LabCorp
Classification: Uncertain significance. Last evaluated: 2025-01-14. Review status: criteria provided, single submitter. Criteria: LabCorp Variant Classification Summary - May 2015. Collection method: clinical testing. Allele origin: germline.
Comment: Variant summary: COL3A1 c.1112C>A (p.Pro371His) results in a non-conservative amino acid change in the encoded protein sequence. Five of five in-silico tools predict a damaging effect of the variant on protein function. The frequency data for this variant in gnomAD is considered unreliable, as metrics indicate poor data quality at this position. To our knowledge, no occurrence of c.1112C>A in individuals affected with Polymicrogyria with or without vascular-type Ehlers-Danlos syndrome and no experimental evidence demonstrating its impact on protein function have been reported. No submitters have cited clinical-significance assessments for this variant to ClinVar. Based on the evidence outlined above, the variant was classified as uncertain significance.